The following is an entry in ClinVar:

ClinVar aggregate classification (germline): Uncertain significance (1 of 4 stars; one submission).

Conditions:
GATA6-related disorder. Also called: GATA6-related condition.

Allele frequency attached by ClinVar (database versions not stated): gnomAD 0.00001; gnomAD exomes 0.00001.
gnomAD v4.1: 11 of 1,599,476 alleles (0.00069%); highest among the groups gnomAD compares: Non-Finnish European, 0.00093%; no homozygotes.

Submission:

PreventionGenetics, part of Exact Sciences
Classification: Uncertain significance for GATA6-related condition. Last evaluated: 2023-05-20. Review status: criteria provided, single submitter. Criteria: ACMG Guidelines, 2015. Collection method: clinical testing. Allele origin: germline.
Comment: The GATA6 c.83C>T variant is predicted to result in the amino acid substitution p.Pro28Leu. To our knowledge, this variant has not been reported in the literature. This variant is reported in 0.00082% of alleles in individuals of European (Non-Finnish) descent in gnomAD. At this time, the clinical significance of this variant is uncertain due to the absence of conclusive functional and genetic evidence.

NM_005257.6(GATA6):c.83C>T (p.Pro28Leu)

Gene: GATA6 (GATA binding protein 6; plus strand). Cytogenetic location: 18q11.2.
Variant type: single nucleotide variant.
Coding change: c.83C>T on transcript NM_005257.6 (MANE Select); coding-DNA position 83, C replaced by T.
Protein change: p.Pro28Leu; replaces proline 28 with leucine.
Molecular consequence: missense variant.
Genome position (GRCh38, 1-based): chr18:22,171,227, C>T. VCF-style: chr18-22171227-C-T. GRCh37 (hg19) VCF-style: chr18-19751188-C-T.
Other names: short protein forms P28L.
Identifiers: ClinVar variation 2633208 (VCV002633208.1), dbSNP rs1483404102, ClinGen allele CA401798579.